The following is an entry in ClinVar:

ClinVar aggregate classification (germline): Conflicting classifications of pathogenicity. Review status: criteria provided, conflicting classifications (1 of 4 stars). 4 submissions from 4 submitters: Likely pathogenic (2); Uncertain significance (1). 1 of the submissions does not count toward it. Last evaluated 2025-04-22.

Conditions:
Autosomal recessive nonsyndromic hearing loss 4 (DFNB4). Also called: FOXI1-Related Pendred Syndrome; KCNJ10-Related Pendred Syndrome; DEAFNESS, AUTOSOMAL RECESSIVE 4, WITH ENLARGED VESTIBULAR AQUEDUCT, DIGENIC; Nonsyndromic enlarged vestibular aqueduct (NSEVA); Deafness, autosomal recessive 4, with enlarged vestibular aqueduct; Enlarged vestibular aqueduct, digenic. Identifiers: Orphanet 90636, MedGen C3538946, MONDO:0010933, OMIM 600791.
Pendred syndrome (PDS). Also called: THYROID DYSHORMONOGENESIS 2B; THYROID HORMONOGENESIS, GENETIC DEFECT IN, 2B; Pendred Syndrome (PDS); DEAFNESS WITH GOITER; GOITER-DEAFNESS SYNDROME; HYPOTHYROIDISM, CONGENITAL, DUE TO DYSHORMONOGENESIS, 2B. Identifiers: Orphanet 705, MedGen C0271829, MONDO:0010134, OMIM 274600.

gnomAD v4.1: 3 of 1,557,232 alleles (0.00019%); highest among the groups gnomAD compares: South Asian, 0.0024%; no homozygotes.

Submissions (4):

Foundation for Research in Genetics and Endocrinology, FRIGE's Institute of Human Genetics
Classification: Uncertain significance for Autosomal recessive nonsyndromic hearing loss 4. Last evaluated: 2025-04-22. Review status: criteria provided, single submitter. Criteria: ACMG Guidelines, 2015. Collection method: clinical testing. Allele origin: germline. Inheritance: Autosomal recessive inheritance. Affected: yes. Observed: 1 compound heterozygote.
Comment: A heterozygous missense variant in exon 2 of the SLC26A4 gene that results in the amino acid substitution of Aspartic acid for Glutamic acid at codon 29 (p.Glu29Asp) was detected. The observed variant has not been reported in the 1000 genomes, gnomAD (v3.1), gnomAD (v2.1) and topmed databases. The in-silico predictions of the variant are damaging by SIFT and LRT. The reference codon is conserved across species. In summary, the variant meets our criteria to be classified as variant of uncertain significance.

Natera, Inc.
Classification: Likely pathogenic for Pendred syndrome. Last evaluated: 2024-12-13. Review status: criteria provided, single submitter. Criteria: Natera Variant Classification Schema (03/2026). Collection method: clinical testing. Allele origin: germline.
Comment: The c.87G>T variant in SLC26A4 is a missense variant predicted to cause substitution of glutamic acid to aspartic acid at amino acid 29. This variant is rare in the general population with a frequency below the threshold expected for the associated phenotype(s). This variant has been observed in one or more individuals affected with the associated recessive disease, as either homozygous or compound heterozygous with a second variant (PMID: 22285650). A different variant at the same position has been determined to be Pathogenic or Likely Pathogenic. Computational prediction algorithms indicate this variant is likely to affect gene or protein function. Given the available evidence, this variant is classified as Likely Pathogenic.

GeneDx
Classification: Likely pathogenic. Last evaluated: 2022-11-09. Review status: criteria provided, single submitter. Criteria: GeneDx Variant Classification Process June 2021. Collection method: clinical testing. Allele origin: germline. Affected: yes.
Comment: Not observed in large population cohorts (gnomAD); In silico analysis supports that this missense variant does not alter protein structure/function; This variant is associated with the following publications: (PMID: 22285650)

Counsyl
Classification: Uncertain significance for Pendred syndrome. Last evaluated: 2017-11-10. Review status: no assertion criteria provided. Collection method: clinical testing. Allele origin: unknown. Not counted in ClinVar's aggregate classification.

Literature cited by the submitters: PubMed 22285650 (cited by Natera, Inc. and Counsyl).

NM_000441.2(SLC26A4):c.87G>T (p.Glu29Asp)

Genes: SLC26A4 (solute carrier family 26 member 4; plus strand), SLC26A4-AS1 (SLC26A4 antisense RNA 1; minus strand). Cytogenetic location: 7q22.3.
Variant type: single nucleotide variant.
Coding change: c.87G>T on transcript NM_000441.2 (MANE Select); coding-DNA position 87, G replaced by T.
Protein change: p.Glu29Asp; replaces glutamic acid 29 with aspartic acid.
Molecular consequence: missense variant. On other transcripts: non-coding transcript variant (1).
Genome position (GRCh38, 1-based): chr7:107,661,728, G>T. VCF-style: chr7-107661728-G-T. GRCh37 (hg19) VCF-style: chr7-107302173-G-T.
Other names: p.Glu29Asp; short protein forms E29D.
Identifiers: ClinVar variation 554998 (VCV000554998.5), dbSNP rs1554352240, ClinGen allele CA368845010.